The following is an entry in ClinVar:

ClinVar aggregate classification (germline): Uncertain significance. Review status: criteria provided, multiple submitters, no conflicts (2 of 4 stars). 2 submissions from 2 submitters: Uncertain significance (2). Last evaluated 2025-10-17.

Conditions:
Hereditary cancer-predisposing syndrome. Also called: Hereditary neoplastic syndrome; Neoplastic Syndromes, Hereditary; Hereditary Cancer Syndrome; Tumor predisposition. Identifiers: Orphanet 140162, MedGen C0027672, MeSH D009386, MONDO:0015356.
Familial cancer of breast. Also called: BREAST CANCER, FAMILIAL; Hereditary breast cancer; hereditary breast carcinoma. Identifiers: Orphanet 227535, MedGen C0346153, MONDO:0016419, OMIM 114480. Disease mechanism: loss of function.

Submissions (2):

Ambry Genetics
Classification: Uncertain significance for Hereditary cancer-predisposing syndrome. Last evaluated: 2025-10-17. Review status: criteria provided, single submitter. Criteria: Ambry Variant Classification Scheme 2023. Collection method: clinical testing. Allele origin: germline.
Comment: The c.2673_2674delCGinsGA variant (also known as p.C891_E892delinsWK), located in coding exon 7 of the PALB2 gene, results from an in-frame deletion of CG and insertion of GA at nucleotide positions 2673 to 2674. This results in the substitution of cysteine and glutamic acid residues for a tryptophan and lysine residue at codon 891 and 892. This amino acid region is well conserved in available vertebrate species. In addition, this variant is predicted to be deleterious by in silico analysis (Choi Y et al. PLoS ONE. 2012; 7(10):e46688). Based on the available evidence, the clinical significance of this variant remains unclear.

Labcorp Genetics (formerly Invitae), Labcorp
Classification: Uncertain significance for Familial cancer of breast. Last evaluated: 2017-09-11. Review status: criteria provided, single submitter. Criteria: Invitae Variant Classification Sherloc (09022015). Collection method: clinical testing. Allele origin: germline.
Comment: This variant is not present in population databases (ExAC no frequency). This variant has not been reported in the literature in individuals with PALB2-related disease. Experimental studies and prediction algorithms are not available for this variant, and the functional significance of the disrupted amino acids is currently unknown. In summary, the available evidence is currently insufficient to determine the role of this variant in disease. Therefore, it has been classified as a Variant of Uncertain Significance. This variant, c.2673_2674delCGinsGA, is a complex sequence change that results in the insertion of 2 amino acids of the PALB2 protein (p.Cys891_Glu892delinsTrpLys).

NM_024675.4(PALB2):c.2673_2674delinsGA (p.Cys891_Glu892delinsTrpLys)

Gene: PALB2 (partner and localizer of BRCA2; minus strand). Cytogenetic location: 16p12.2.
Variant type: Indel.
Coding change: c.2673_2674delinsGA on transcript NM_024675.4 (MANE Select); coding-DNA positions 2673 to 2674, CG replaced by GA.
Protein change: p.Cys891_Glu892delinsTrpLys.
Molecular consequence: missense variant.
Genome position (GRCh38, 1-based): chr16:23,626,310-23,626,311, CG replaced by TC on the plus strand (CG replaced by GA on the coding strand, the reverse complement: PALB2 is on the minus strand). VCF-style: chr16-23626310-CG-TC. GRCh37 (hg19) VCF-style: chr16-23637631-CG-TC.
Other names: c.2673_2674delCGinsGA (NM_024675.3).
Identifiers: ClinVar variation 530086 (VCV000530086.10), dbSNP rs1555459967, ClinGen allele CA658798571.